The following is an entry in ClinVar:

NM_004260.4(RECQL4):c.1642C>T (p.Leu548Phe)

Gene: RECQL4 (RecQ like helicase 4; minus strand). Cytogenetic location: 8q24.3.
Variant type: single nucleotide variant.
Coding change: c.1642C>T on transcript NM_004260.4 (MANE Select); coding-DNA position 1642, C replaced by T.
Protein change: p.Leu548Phe; replaces leucine 548 with phenylalanine.
Molecular consequence: missense variant. On other transcripts: non-coding transcript variant (3).
Genome position (GRCh38, 1-based): chr8:144,514,504, G>A on the plus strand (C>T on the coding strand, the complement: RECQL4 is on the minus strand). VCF-style: chr8-144514504-G-A. GRCh37 (hg19) VCF-style: chr8-145739888-G-A.
Other names: c.1546C>T, p.Leu516Phe (NM_001413017.1, NM_001413020.1); c.1642C>T, p.Leu548Phe (NM_001413018.1, NM_001413019.1, NM_001413033.1 and 1 more transcripts); c.571C>T, p.Leu191Phe (NM_001413021.1, NM_001413022.1, NM_001413023.1 and 7 more transcripts); c.1513C>T, p.Leu505Phe (NM_001413025.1); c.505C>T, p.Leu169Phe (NM_001413027.1, NM_001413030.1, NM_001413031.1 and 2 more transcripts); c.1291C>T, p.Leu431Phe (NM_001413029.1); c.1612C>T, p.Leu538Phe (NM_001413039.1); c.541C>T, p.Leu181Phe (NM_001413042.1); and 1 more; short protein forms L181F, L191F, L431F, L516F, L538F, L505F, L548F, L169F.
Identifiers: ClinVar variation 3788013 (VCV003788013.1).

ClinVar aggregate classification (germline): Uncertain significance (1 of 4 stars; one submission).

Conditions:
Inborn genetic diseases. Identifiers: MedGen C0950123, MeSH D030342.

gnomAD v4.1: 2 of 1,611,888 alleles (0.00012%); highest among the groups gnomAD compares: East Asian, 0.0045%; no homozygotes.

Submission:

Ambry Genetics
Classification: Uncertain significance for Inborn genetic diseases. Last evaluated: 2025-01-27. Review status: criteria provided, single submitter. Criteria: Ambry Variant Classification Scheme 2023. Collection method: clinical testing. Allele origin: germline.
Comment: The p.L548F variant (also known as c.1642C>T), located in coding exon 10 of the RECQL4 gene, results from a C to T substitution at nucleotide position 1642. The leucine at codon 548 is replaced by phenylalanine, an amino acid with highly similar properties. This amino acid position is conserved. In addition, the in silico prediction for this alteration is inconclusive. Based on the available evidence, the clinical significance of this variant remains unclear.